The following is an entry in ClinVar:

NM_002661.5(PLCG2):c.510G>T (p.Leu170Phe)

Gene: PLCG2 (phospholipase C gamma 2; plus strand). Cytogenetic location: 16q23.3.
Variant type: single nucleotide variant.
Coding change: c.510G>T on transcript NM_002661.5 (MANE Select); coding-DNA position 510, G replaced by T.
Protein change: p.Leu170Phe; replaces leucine 170 with phenylalanine.
Molecular consequence: missense variant.
Genome position (GRCh38, 1-based): chr16:81,869,244, G>T. VCF-style: chr16-81869244-G-T. GRCh37 (hg19) VCF-style: chr16-81902849-G-T.
Other names: short protein forms L170F.
Identifiers: ClinVar variation 660909 (VCV000660909.15), dbSNP rs759598100, ClinGen allele CA8193252.

ClinVar aggregate classification (germline): Uncertain significance. Review status: criteria provided, multiple submitters, no conflicts (2 of 4 stars). 6 submissions from 6 submitters: Uncertain significance (5). 1 of the submissions does not count toward it. Last evaluated 2025-12-06.

Conditions:
Familial cold autoinflammatory syndrome 3 (FCAS3). Also called: ANTIBODY DEFICIENCY AND IMMUNE DYSREGULATION, PLCG2-ASSOCIATED; FAMILIAL ATYPICAL COLD URTICARIA. Identifiers: Orphanet 300359, MedGen C3280914, MONDO:0013766, OMIM 614468.
Autoinflammation-PLCG2-associated antibody deficiency-immune dysregulation. Also called: Autoinflammation, antibody deficiency, and immune dysregulation, plcg2-associated; Autoinflammation, antibody deficiency, and immune dysregulation syndrome; AUTOINFLAMMATION, ANTIBODY DEFICIENCY, AND IMMUNE DYSREGULATION. Identifiers: Orphanet 324530, MedGen C3553961, MONDO:0013944, OMIM 614878.
PLCG2-related disorder. Also called: PLCG2-related condition.

Allele frequency attached by ClinVar (database versions not stated): ExAC 0.00004; gnomAD exomes 0.00005 and 0.00017; TOPMed 0.00007; gnomAD 0.00013 and 0.00014.
gnomAD v4.1: 267 of 1,613,914 alleles (0.017%); highest among the groups gnomAD compares: Non-Finnish European, 0.022%; no homozygotes.

Submissions (6):

Labcorp Genetics (formerly Invitae), Labcorp
Classification: Uncertain significance for Familial cold autoinflammatory syndrome 3. Last evaluated: 2025-12-06. Review status: criteria provided, single submitter. Criteria: Invitae Variant Classification Sherloc (09022015). Collection method: clinical testing. Allele origin: germline.
Comment: This sequence change replaces leucine, which is neutral and non-polar, with phenylalanine, which is neutral and non-polar, at codon 170 of the PLCG2 protein (p.Leu170Phe). This variant is present in population databases (rs759598100, gnomAD 0.01%). This missense change has been observed in individual(s) with clinical features of PLCG2-related conditions (PMID: 37769878). ClinVar contains an entry for this variant (Variation ID: 660909). An algorithm developed to predict the effect of missense changes on protein structure and function (PolyPhen-2) suggests that this variant is likely to be disruptive. Experimental studies have shown that this missense change does not substantially affect PLCG2 function (PMID: 37769878). In summary, the available evidence is currently insufficient to determine the role of this variant in disease. Therefore, it has been classified as a Variant of Uncertain Significance.

Women's Health and Genetics/Laboratory Corporation of America, LabCorp
Classification: Uncertain significance. Last evaluated: 2025-10-30. Review status: criteria provided, single submitter. Criteria: LabCorp Variant Classification Summary - May 2015. Collection method: clinical testing. Allele origin: germline.
Comment: Variant summary: PLCG2 c.510G>T (p.Leu170Phe) results in a non-conservative amino acid change in the encoded protein sequence. Algorithms developed to predict the effect of missense changes on protein structure and function are either unavailable or do not agree on the potential impact of this missense change. The variant allele was found at a frequency of 0.00017 in 1606918 control chromosomes, predominantly at a frequency of 0.00022 within the Non-Finnish European subpopulation in the gnomAD database. The observed variant frequency within Non-Finnish European control individuals in the gnomAD database exceeds the estimated maximal expected allele frequency for disease-causing variants in PLCG2. However, the variant c.510G>T, has also been observed in heterozygous state in an individual affected with immune dysregulation who inherited the variant from a symptomatic parent (Baysac_2023). This publication also reported experimental evidence evaluating an impact on protein function, and demonstrated that the variant produced only minimal functional alteration of B-cell activation (in vitro) in transfected cells, while patient derived NK cells (ex vivo) showed markedly decreased activation (Baysac_2023); these data provide no clear conclusions about the variant effect. The following publications have been ascertained in the context of this evaluation (PMID: 37769878, 32894242). ClinVar contains an entry for this variant (Variation ID: 660909). Based on the evidence outlined above, the variant was classified as uncertain significance.

ARUP Laboratories, Molecular Genetics and Genomics, ARUP Laboratories
Classification: Uncertain significance. Last evaluated: 2025-01-17. Review status: criteria provided, single submitter. Criteria: ARUP Molecular Germline Variant Investigation Process 2024. Collection method: clinical testing. Allele origin: germline.
Comment: The PLCG2 c.510G>T; p.Leu170Phe variant (rs759598100, ClinVar Variation ID 660909) is reported in the literature in two related individuals affected with symptoms of autoinflammation, antibody deficiency, and immune dysregulation syndrome (Baysac 2024). This variant was shown to segregate with disease within the family. This variant is found in the general population with an overall allele frequency of 0.006% (17/280952 alleles) in the Genome Aggregation Database (v2.1.1). Computational analyses are uncertain whether this variant is neutral or deleterious (REVEL: 0.267). Due to limited information, the clinical significance of this variant is uncertain at this time. References: Baysac K et al. PLCG2-associated immune dysregulation (PLAID) comprises broad and distinct clinical presentations related to functional classes of genetic variants. J Allergy Clin Immunol. 2024 Jan;153(1):230-242. PMID: 37769878.

Clinical Genomics Laboratory, Washington University in St. Louis
Classification: Uncertain significance for Autoinflammation-PLCG2-associated antibody deficiency-immune dysregulation. Last evaluated: 2023-12-26. Review status: criteria provided, single submitter. Criteria: ACMG Guidelines, 2015. Collection method: clinical testing. Allele origin: germline. Affected: yes.
Comment: The PLCG2 c.510G>T (p.Leu170Phe) variant, to our knowledge, has not been reported in the medical literature. The highest population minor allele frequency in the population database genome aggregation database (v.2.1.1) is 0.01% in the European non-Finnish population. Computational predictors suggest that the variant does not impact PLCG2 function. This variant has been reported in the ClinVar database as a germline variant in association with autoinflammation, antibody deficiency, and immune dysregulation and familial cold autoinflammatory syndrome 3. Due to limited information, and based on ACMG/AMP guidelines for variant interpretation (Richards S et al., PMID: 25741868), the clinical significance of this variant is uncertain at this time.

Fulgent Genetics
Classification: Uncertain significance for Familial cold autoinflammatory syndrome 3; Autoinflammation-PLCG2-associated antibody deficiency-immune dysregulation. Last evaluated: 2021-10-28. Review status: criteria provided, single submitter. Criteria: ACMG Guidelines, 2015. Collection method: clinical testing. Allele origin: unknown.

PreventionGenetics, part of Exact Sciences
Classification: Uncertain significance for PLCG2-related condition. Last evaluated: 2024-01-05. Review status: no assertion criteria provided. Collection method: clinical testing. Allele origin: germline. Not counted in ClinVar's aggregate classification.
Comment: The PLCG2 c.510G>T variant is predicted to result in the amino acid substitution p.Leu170Phe. To our knowledge, this variant has not been reported in the literature. This variant is reported in 0.010% of alleles in individuals of European (Non-Finnish) descent in gnomAD. At this time, the clinical significance of this variant is uncertain due to the absence of conclusive functional and genetic evidence.

Literature cited by the submitters: PubMed 37769878 (cited by Labcorp Genetics (formerly Invitae), Labcorp and Women's Health and Genetics/Laboratory Corporation of America, LabCorp); PubMed 32894242 (cited by Women's Health and Genetics/Laboratory Corporation of America, LabCorp).